The following is an entry in ClinVar:

NM_001256789.3(CACNA1F):c.1772G>A (p.Cys591Tyr)

Gene: CACNA1F (calcium voltage-gated channel subunit alpha1 F; minus strand). Cytogenetic location: Xp11.23.
Variant type: single nucleotide variant.
Coding change: c.1772G>A on transcript NM_001256789.3 (MANE Select); coding-DNA position 1772, G replaced by A.
Protein change: p.Cys591Tyr; replaces cysteine 591 with tyrosine.
Molecular consequence: missense variant.
Genome position (GRCh38, 1-based): chrX:49,224,866, C>T on the plus strand (G>A on the coding strand, the complement: CACNA1F is on the minus strand). VCF-style: chrX-49224866-C-T. GRCh37 (hg19) VCF-style: chrX-49081328-C-T.
Other names: c.1610G>A, p.Cys537Tyr (NM_001256790.3); c.1805G>A, p.Cys602Tyr (NM_005183.4); short protein forms C537Y, C602Y, C591Y.
Identifiers: ClinVar variation 959138 (VCV000959138.9), dbSNP rs782273072, ClinGen allele CA10410793.

ClinVar aggregate classification (germline): Uncertain significance (1 of 4 stars; one submission).

Allele frequency attached by ClinVar (database versions not stated): gnomAD exomes 0.00002; ExAC 0.00005.
gnomAD v4.1: 17 of 1,204,627 alleles (0.0014%); highest among the groups gnomAD compares: South Asian, 0.03%; no homozygotes.

Submission:

Labcorp Genetics (formerly Invitae), Labcorp
Classification: Uncertain significance. Last evaluated: 2023-07-21. Review status: criteria provided, single submitter. Criteria: Invitae Variant Classification Sherloc (09022015). Collection method: clinical testing. Allele origin: germline.
Comment: ClinVar contains an entry for this variant (Variation ID: 959138). In summary, the available evidence is currently insufficient to determine the role of this variant in disease. Therefore, it has been classified as a Variant of Uncertain Significance. Advanced modeling of protein sequence and biophysical properties (such as structural, functional, and spatial information, amino acid conservation, physicochemical variation, residue mobility, and thermodynamic stability) performed at Invitae indicates that this missense variant is not expected to disrupt CACNA1F protein function. This variant has not been reported in the literature in individuals affected with CACNA1F-related conditions. This variant is present in population databases (rs782273072, gnomAD 0.02%). This sequence change replaces cysteine, which is neutral and slightly polar, with tyrosine, which is neutral and polar, at codon 602 of the CACNA1F protein (p.Cys602Tyr).